The following is an entry in ClinVar:

NM_004239.4(TRIP11):c.2911del (p.Thr971fs)

Gene: TRIP11 (thyroid hormone receptor interactor 11; minus strand). Cytogenetic location: 14q32.12.
Variant type: Deletion.
Coding change: c.2911del on transcript NM_004239.4 (MANE Select); coding-DNA position 2911, one base deleted (A; older notation c.2911delA).
Protein change: p.Thr971fs; shifts the reading frame from threonine 971.
Molecular consequence: frameshift variant.
Genome position (GRCh38, 1-based): chr14:92,005,065, T deleted on the plus strand (A on the coding strand, the reverse complement: TRIP11 is on the minus strand); the first of 6 consecutive T bases (chr14:92,005,065-92,005,070); deleting any one gives the same sequence. VCF-style (leftmost placement, unchanged base first): chr14-92005064-GT-G. GRCh37 (hg19) VCF-style: chr14-92471408-GT-G.
Other names: c.2908del, p.Thr970fs (NM_001321851.1); short protein forms T970fs, T971fs.
Identifiers: ClinVar variation 4724162 (VCV004724162.1).
Genomic context (GRCh38, chr14:92,005,064, plus strand): 5'-GAGTTATCTGTTTGAATGTCCTGTCTTTCTTCATGCAACTGGGTTTTGATTTGTTCAATT[GT>G]TTTTTGCAAACTCTTAATTTCCTCATCCTTCTCTAAAAAGAGCTGGGTGTGTGTGGCGTT-3'

ClinVar aggregate classification (germline): Pathogenic (1 of 4 stars; one submission).

Conditions:
Achondrogenesis, type IA (ACG1A). Identifiers: Orphanet 932, Orphanet 93299, MedGen C0265273, MONDO:0008701, OMIM 200600.

Submission:

Labcorp Genetics (formerly Invitae), Labcorp
Classification: Pathogenic for Achondrogenesis, type IA. Last evaluated: 2025-12-17. Review status: criteria provided, single submitter. Criteria: Invitae Variant Classification Sherloc (09022015). Collection method: clinical testing. Allele origin: germline.
Comment: This sequence change creates a premature translational stop signal (p.Thr971Glnfs*34) in the TRIP11 gene. It is expected to result in an absent or disrupted protein product. Loss-of-function variants in TRIP11 are known to be pathogenic (PMID: 20089971, 23956106). This variant is not present in population databases (gnomAD no frequency). This variant has not been reported in the literature in individuals affected with TRIP11-related conditions. For these reasons, this variant has been classified as Pathogenic.

Literature cited by the submitters: PubMed 20089971; PubMed 23956106.